The following is an entry in ClinVar:

NM_031935.3(HMCN1):c.9341T>G (p.Met3114Arg)

Gene: HMCN1 (hemicentin 1; plus strand). Cytogenetic location: 1q31.1.
Variant type: single nucleotide variant.
Coding change: c.9341T>G on transcript NM_031935.3 (MANE Select); coding-DNA position 9341, T replaced by G.
Protein change: p.Met3114Arg; replaces methionine 3114 with arginine.
Molecular consequence: missense variant.
Genome position (GRCh38, 1-based): chr1:186,087,623, T>G. VCF-style: chr1-186087623-T-G. GRCh37 (hg19) VCF-style: chr1-186056755-T-G.
Other names: short protein forms M3114R.
Identifiers: ClinVar variation 2874203 (VCV002874203.3), dbSNP rs997935097, ClinGen allele CA33477831.

ClinVar aggregate classification (germline): Uncertain significance (1 of 4 stars; one submission).

Allele frequency attached by ClinVar (database versions not stated): gnomAD exomes below 0.00001; TOPMed below 0.00001.
gnomAD v4.1: 2 of 1,613,204 alleles (0.00012%); highest among the groups gnomAD compares: Non-Finnish European, 0.00017%; no homozygotes.

Submission:

Labcorp Genetics (formerly Invitae), Labcorp
Classification: Uncertain significance. Last evaluated: 2023-02-18. Review status: criteria provided, single submitter. Criteria: Invitae Variant Classification Sherloc (09022015). Collection method: clinical testing. Allele origin: germline.
Comment: This variant has not been reported in the literature in individuals affected with HMCN1-related conditions. This sequence change replaces methionine, which is neutral and non-polar, with arginine, which is basic and polar, at codon 3114 of the HMCN1 protein (p.Met3114Arg). This variant is present in population databases (no rsID available, gnomAD 0.0009%). An algorithm developed to predict the effect of missense changes on protein structure and function (PolyPhen-2) suggests that this variant is likely to be disruptive. In summary, the available evidence is currently insufficient to determine the role of this variant in disease. Therefore, it has been classified as a Variant of Uncertain Significance.